The following is an entry in ClinVar:

ClinVar aggregate classification (germline): Uncertain significance (1 of 4 stars; one submission).

Submission:

Labcorp Genetics (formerly Invitae), Labcorp
Classification: Uncertain significance. Last evaluated: 2024-02-23. Review status: criteria provided, single submitter. Criteria: Invitae Variant Classification Sherloc (09022015). Collection method: clinical testing. Allele origin: germline.
Comment: This sequence change replaces lysine, which is basic and polar, with threonine, which is neutral and polar, at codon 292 of the SMARCB1 protein (p.Lys292Thr). This variant is not present in population databases (gnomAD no frequency). This variant has not been reported in the literature in individuals affected with SMARCB1-related conditions. Advanced modeling of protein sequence and biophysical properties (such as structural, functional, and spatial information, amino acid conservation, physicochemical variation, residue mobility, and thermodynamic stability) performed at Invitae indicates that this missense variant is not expected to disrupt SMARCB1 protein function with a negative predictive value of 80%. In summary, the available evidence is currently insufficient to determine the role of this variant in disease. Therefore, it has been classified as a Variant of Uncertain Significance.

NM_003073.5(SMARCB1):c.875A>C (p.Lys292Thr)

Gene: SMARCB1 (SWI/SNF related BAF chromatin remodeling complex subunit B1; plus strand). Cytogenetic location: 22q11.23.
Variant type: single nucleotide variant.
Coding change: c.875A>C on transcript NM_003073.5 (MANE Select); coding-DNA position 875, A replaced by C.
Protein change: p.Lys292Thr; replaces lysine 292 with threonine.
Molecular consequence: missense variant.
Genome position (GRCh38, 1-based): chr22:23,825,304, A>C. VCF-style: chr22-23825304-A-C. GRCh37 (hg19) VCF-style: chr22-24167491-A-C.
Other names: c.848A>C, p.Lys283Thr (NM_001007468.3); c.902A>C, p.Lys301Thr (NM_001317946.2); c.929A>C, p.Lys310Thr (NM_001362877.2); short protein forms K283T, K292T, K301T, K310T.
Identifiers: ClinVar variation 3679134 (VCV003679134.2).